The following is an entry in ClinVar:

NM_032808.7(LINGO1):c.336C>G (p.Pro112=)

Gene: LINGO1 (leucine rich repeat and Ig domain containing 1; minus strand). Cytogenetic location: 15q24.3.
Variant type: single nucleotide variant.
Coding change: c.336C>G on transcript NM_032808.7 (MANE Select); coding-DNA position 336, C replaced by G.
Protein change: p.Pro112=; no amino-acid change (proline 112 retained).
Molecular consequence: synonymous variant.
Genome position (GRCh38, 1-based): chr15:77,615,571, G>C on the plus strand (C>G on the coding strand, the complement: LINGO1 is on the minus strand). VCF-style: chr15-77615571-G-C. GRCh37 (hg19) VCF-style: chr15-77907913-G-C.
Other names: c.318C>G, p.Pro106= (NM_001301186.2, NM_001301187.2, NM_001301189.2 and 8 more transcripts).
Identifiers: ClinVar variation 4535123 (VCV004535123.6).

ClinVar aggregate classification (germline): Likely benign (1 of 4 stars; one submission).

gnomAD v4.1: 2 of 1,611,714 alleles (0.00012%); highest among the groups gnomAD compares: Non-Finnish European, 0.00017%; no homozygotes.

Submission:

CeGaT Center for Human Genetics Tuebingen
Classification: Likely benign. Last evaluated: 2025-10-01. Review status: criteria provided, single submitter. Criteria: CeGaT Center For Human Genetics Tuebingen Variant Classification Criteria Version 2. Collection method: clinical testing. Allele origin: germline. Affected: yes. Observed: 1 variant allele.
Comment: LINGO1: BP4, BP7